The following is an entry in ClinVar:

NM_016098.4(MPC1):c.72-8C>T

Gene: MPC1 (mitochondrial pyruvate carrier 1; minus strand). Cytogenetic location: 6q27.
Variant type: single nucleotide variant.
Coding change: c.72-8C>T on transcript NM_016098.4 (MANE Select); 8 bases into the intron before coding-DNA position 72, C replaced by T.
Molecular consequence: intron variant.
Genome position (GRCh38, 1-based): chr6:166,370,229, G>A on the plus strand (C>T on the coding strand, the complement: MPC1 is on the minus strand). VCF-style: chr6-166370229-G-A. GRCh37 (hg19) VCF-style: chr6-166783717-G-A.
Other names: p.?; c.-54-3338C>T (NM_001376566.1); c.-270-3045C>T (NM_001376567.1); c.-245-1294C>T (NM_001376568.1); c.-461-1294C>T (NM_001376565.1); c.72-8C>T (NM_001376569.1); c.-274-8C>T (NM_001270879.2).
Identifiers: ClinVar variation 1951574 (VCV001951574.6), dbSNP rs1346195401, ClinGen allele CA571921247.

ClinVar aggregate classification (germline): Likely benign. Review status: criteria provided, multiple submitters, no conflicts (2 of 4 stars). 2 submissions from 2 submitters: Likely benign (2). Last evaluated 2025-05-27.

gnomAD v4.1: 7 of 776,622 alleles (0.0009%); highest among the groups gnomAD compares: Non-Finnish European, 0.0017%; no homozygotes.

Submissions (2):

Mayo Clinic Laboratories, Mayo Clinic
Classification: Likely benign. Last evaluated: 2025-05-27. Review status: criteria provided, single submitter. Criteria: ACMG Guidelines, 2015. Collection method: clinical testing. Allele origin: germline. Observed: 1 variant allele.
Comment: BP4, BP7

Labcorp Genetics (formerly Invitae), Labcorp
Classification: Likely benign. Last evaluated: 2023-03-10. Review status: criteria provided, single submitter. Criteria: Invitae Variant Classification Sherloc (09022015). Collection method: clinical testing. Allele origin: germline.